The following is an entry in ClinVar:

NM_005120.3(MED12):c.1732G>C (p.Ala578Pro)

Genes: MED12 (mediator complex subunit 12; plus strand), LOC126863275 (BRD4-independent group 4 enhancer GRCh37_chrX:70342400-70343599; plus strand). Cytogenetic location: Xq13.1.
Variant type: single nucleotide variant.
Coding change: c.1732G>C on transcript NM_005120.3 (MANE Select); coding-DNA position 1732, G replaced by C.
Protein change: p.Ala578Pro; replaces alanine 578 with proline.
Molecular consequence: missense variant.
Genome position (GRCh38, 1-based): chrX:71,123,708, G>C. VCF-style: chrX-71123708-G-C. GRCh37 (hg19) VCF-style: chrX-70343558-G-C.
Other names: short protein forms A578P.
Identifiers: ClinVar variation 429376 (VCV000429376.4), dbSNP rs1131691350, ClinGen allele CA413508598.

ClinVar aggregate classification (germline): Uncertain significance (1 of 4 stars; one submission).

Submission:

GeneDx
Classification: Uncertain significance. Last evaluated: 2025-01-17. Review status: criteria provided, single submitter. Criteria: GeneDx Variant Classification Process June 2021. Collection method: clinical testing. Allele origin: germline. Affected: yes.
Comment: Not observed at significant frequency in large population cohorts (gnomAD); In silico analysis supports that this missense variant has a deleterious effect on protein structure/function; Has not been previously published as pathogenic or benign to our knowledge